The following is an entry in ClinVar:

NM_000059.4(BRCA2):c.6696del (p.Ala2233fs)

Gene: BRCA2 (BRCA2 DNA repair associated; plus strand). Cytogenetic location: 13q13.1.
Variant type: Deletion.
Coding change: c.6696del on transcript NM_000059.4 (MANE Select); coding-DNA position 6696, one base deleted (A; older notation c.6696delA).
Protein change: p.Ala2233fs; shifts the reading frame from alanine 2233.
Molecular consequence: frameshift variant.
Genome position (GRCh38, 1-based): chr13:32,341,051, A deleted; the last of 3 consecutive A bases (chr13:32,341,049-32,341,051); deleting any one gives the same sequence. VCF-style (leftmost placement, unchanged base first): chr13-32341048-TA-T. GRCh37 (hg19) VCF-style: chr13-32915185-TA-T.
Other names: 6924delA; c.6696delA (NM_000059.3).
Identifiers: ClinVar variation 236281 (VCV000236281.19), dbSNP rs878853301, ClinGen allele CA10581590.

ClinVar aggregate classification (germline): Pathogenic. Review status: reviewed by expert panel (3 of 4 stars). 6 submissions from 6 submitters: Pathogenic (1). 5 of the submissions do not count toward it. Last evaluated 2016-04-22.

Conditions:
Hereditary cancer-predisposing syndrome. Also called: Tumor predisposition; Hereditary Cancer Syndrome; Hereditary neoplastic syndrome; Neoplastic Syndromes, Hereditary. Identifiers: Orphanet 140162, MedGen C0027672, MeSH D009386, MONDO:0015356.
Hereditary breast ovarian cancer syndrome. Also called: Hereditary breast and ovarian cancer; Breast and ovarian cancer; BRCA1- and BRCA2-Associated Hereditary Breast and Ovarian Cancer; Hereditary breast and ovarian cancer syndrome; Hereditary breast and ovarian cancer syndrome (HBOC); Hereditary breast and/or ovarian cancer syndrome. Identifiers: Orphanet 145, MedGen C0677776, MeSH D061325, MONDO:0003582. Disease mechanism: loss of function.
Familial cancer of breast. Also called: hereditary breast carcinoma; BREAST CANCER, FAMILIAL; Hereditary breast cancer. Identifiers: Orphanet 227535, MedGen C0346153, MONDO:0016419, OMIM 114480. Disease mechanism: loss of function.
Breast-ovarian cancer, familial, susceptibility to, 2 (BROVCA2). Also called: BRCA2 Hereditary Breast and Ovarian Cancer. Identifiers: Orphanet 145, MedGen C2675520, MONDO:0012933, OMIM 612555. Disease mechanism: loss of function.

Submissions (6):

Evidence-based Network for the Interpretation of Germline Mutant Alleles (ENIGMA)
Classification: Pathogenic for Breast-ovarian cancer, familial, susceptibility to, 2. Last evaluated: 2016-04-22. Review status: reviewed by expert panel. Criteria: ENIGMA BRCA1/2 Classification Criteria (2015). Collection method: curation. Allele origin: germline.
Comment: Variant allele predicted to encode a truncated non-functional protein.

Labcorp Genetics (formerly Invitae), Labcorp
Classification: Pathogenic for Hereditary breast ovarian cancer syndrome. Last evaluated: 2025-11-05. Review status: criteria provided, single submitter. Criteria: Invitae Variant Classification Sherloc (09022015). Collection method: clinical testing. Allele origin: germline. Not counted in ClinVar's aggregate classification.
Comment: This sequence change creates a premature translational stop signal (p.Ala2233Leufs*8) in the BRCA2 gene. It is expected to result in an absent or disrupted protein product. Loss-of-function variants in BRCA2 are known to be pathogenic (PMID: 20104584). This variant is not present in population databases (gnomAD no frequency). This premature translational stop signal has been observed in individual(s) with BRCA2-related conditions (PMID: 21520333). ClinVar contains an entry for this variant (Variation ID: 236281). For these reasons, this variant has been classified as Pathogenic.

Ambry Genetics
Classification: Pathogenic for Hereditary cancer-predisposing syndrome. Last evaluated: 2023-09-22. Review status: criteria provided, single submitter. Criteria: Ambry Variant Classification Scheme 2023. Collection method: clinical testing. Allele origin: germline. Not counted in ClinVar's aggregate classification.
Comment: The c.6696delA pathogenic mutation, located in coding exon 10 of the BRCA2 gene, results from a deletion of one nucleotide at nucleotide position 6696, causing a translational frameshift with a predicted alternate stop codon (p.A2233Lfs*8). This variant is considered to be rare based on population cohorts in the Genome Aggregation Database (gnomAD). This alteration is expected to result in loss of function by premature protein truncation or nonsense-mediated mRNA decay. As such, this alteration is interpreted as a disease-causing mutation.

Baylor Genetics
Classification: Pathogenic for Familial cancer of breast. Last evaluated: 2023-08-20. Review status: criteria provided, single submitter. Criteria: ACMG Guidelines, 2015. Collection method: clinical testing. Allele origin: unknown. Not counted in ClinVar's aggregate classification.

GeneDx
Classification: Pathogenic. Last evaluated: 2019-07-19. Review status: criteria provided, single submitter. Criteria: GeneDx Variant Classification (06012015). Collection method: clinical testing. Allele origin: germline. Affected: yes. Not counted in ClinVar's aggregate classification.
Comment: This deletion of one nucleotide in BRCA2 is denoted c.6696delA at the cDNA level and p.Ala2233LeufsX8 (A2233LfsX8) at the protein level. Using alternate nomenclature, this variant would be defined as BRCA2 6924delA. The normal sequence, with the base that is deleted in brackets, is CTAA[delA]GCTT. The deletion causes a frameshift which changes an Alanine to a Leucine at codon 2233, and creates a premature stop codon at position 8 of the new reading frame. Although this variant has not, to our knowledge, been reported in the literature, it is predicted to cause loss of normal protein function through either protein truncation or nonsense-mediated mRNA decay. We consider this variant to be pathogenic.

Consortium of Investigators of Modifiers of BRCA1/2 (CIMBA), c/o University of Cambridge
Classification: Pathogenic for Breast-ovarian cancer, familial, susceptibility to, 2. Last evaluated: 2015-10-02. Review status: criteria provided, single submitter. Criteria: CIMBA Mutation Classification guidelines May 2016. Collection method: clinical testing. Allele origin: germline. Not counted in ClinVar's aggregate classification.

Literature cited by the submitters: PubMed 20104584 (cited by Labcorp Genetics (formerly Invitae), Labcorp); PubMed 21520333 (cited by Labcorp Genetics (formerly Invitae), Labcorp).